The following is an entry in ClinVar:

NM_020066.5(FMN2):c.3462G>T (p.Pro1154=)

Gene: FMN2 (formin 2; plus strand). Cytogenetic location: 1q43.
Variant type: single nucleotide variant.
Coding change: c.3462G>T on transcript NM_020066.5 (MANE Select); coding-DNA position 3462, G replaced by T.
Protein change: p.Pro1154=; no amino-acid change (proline 1154 retained).
Molecular consequence: synonymous variant. On other transcripts: intron variant (1).
Genome position (GRCh38, 1-based): chr1:240,208,274, G>T. VCF-style: chr1-240208274-G-T. GRCh37 (hg19) VCF-style: chr1-240371574-G-T.
Other names: c.3462G>T (NM_020066.4); c.3474G>T, p.Pro1158= (NM_001305424.2); c.1986+20012G>T (NM_001348094.2).
Identifiers: ClinVar variation 2640195 (VCV002640195.25), dbSNP rs12750401, ClinGen allele CA1477193.

ClinVar aggregate classification (germline): Likely benign. Review status: criteria provided, single submitter (1 of 4 stars). 2 submissions from 2 submitters: Likely benign (1). 1 of the submissions does not count toward it. Last evaluated 2026-05-01.

Conditions:
FMN2-related disorder. Also called: FMN2-related condition.

Submissions (2):

CeGaT Center for Human Genetics Tuebingen
Classification: Likely benign. Last evaluated: 2026-05-01. Review status: criteria provided, single submitter. Criteria: CeGaT Center For Human Genetics Tuebingen Variant Classification Criteria Version 2. Collection method: clinical testing. Allele origin: germline. Affected: yes. Observed: 2 variant alleles.
Comment: FMN2: BP4, BP7

PreventionGenetics, part of Exact Sciences
Classification: Likely benign for FMN2-related condition. Last evaluated: 2022-09-09. Review status: no assertion criteria provided. Collection method: clinical testing. Allele origin: germline. Not counted in ClinVar's aggregate classification.
Comment: This variant is classified as likely benign based on ACMG/AMP sequence variant interpretation guidelines (Richards et al. 2015 PMID: 25741868, with internal and published modifications).